The following is an entry in ClinVar:

ClinVar aggregate classification (germline): Conflicting classifications of pathogenicity. Review status: criteria provided, conflicting classifications (1 of 4 stars). 3 submissions from 3 submitters: Uncertain significance (1); Likely benign (2). Last evaluated 2025-12-21.

Conditions:
LZTR1-related schwannomatosis. Also called: Schwannomatosis-2, susceptibility to; Schwannomatosis 2. Identifiers: Orphanet 93921, MedGen C3810283, MONDO:0014299, OMIM 615670.

Allele frequency attached by ClinVar (database versions not stated): gnomAD 0.00001; gnomAD exomes 0.00001 and 0.00002; ExAC 0.00002; TOPMed 0.00002; 1000 Genomes Project 30x 0.00016; 1000 Genomes Project 0.00020.

Submissions (3):

Labcorp Genetics (formerly Invitae), Labcorp
Classification: Likely benign. Last evaluated: 2025-12-21. Review status: criteria provided, single submitter. Criteria: Invitae Variant Classification Sherloc (09022015). Collection method: clinical testing. Allele origin: germline.

Women's Health and Genetics/Laboratory Corporation of America, LabCorp
Classification: Likely benign. Last evaluated: 2025-04-23. Review status: criteria provided, single submitter. Criteria: LabCorp Variant Classification Summary - May 2015. Collection method: clinical testing. Allele origin: germline.
Comment: Variant summary: LZTR1 c.2326-6T>C alters a conserved nucleotide located at a position not widely known to affect splicing. Consensus agreement among computation tools predict no significant impact on normal splicing. However, these predictions have yet to be confirmed by functional studies. The variant allele was found at a frequency of 2e-05 in 250460 control chromosomes. The available data on variant occurrences in the general population are insufficient to allow any conclusion about variant significance. To our knowledge, no occurrence of c.2326-6T>C in individuals affected with Noonan Syndrome and no experimental evidence demonstrating its impact on protein function have been reported. ClinVar contains an entry for this variant (Variation ID: 1477161). Based on the evidence outlined above, the variant was classified as likely benign.

Genetics and Molecular Pathology, SA Pathology
Classification: Uncertain significance for LZTR1-related schwannomatosis. Last evaluated: 2020-03-23. Review status: criteria provided, single submitter. Criteria: ACMG Guidelines, 2015. Collection method: clinical testing. Allele origin: germline. Affected: yes.

NM_006767.4(LZTR1):c.2326-6T>C

Gene: LZTR1 (leucine zipper like post translational regulator 1; plus strand). Cytogenetic location: 22q11.21.
Variant type: single nucleotide variant.
Coding change: c.2326-6T>C on transcript NM_006767.4 (MANE Select); 6 bases into the intron before coding-DNA position 2326, T replaced by C.
Molecular consequence: intron variant.
Genome position (GRCh38, 1-based): chr22:20,996,880, T>C. VCF-style: chr22-20996880-T-C. GRCh37 (hg19) VCF-style: chr22-21351169-T-C.
Identifiers: ClinVar variation 1477161 (VCV001477161.11), dbSNP rs199965510, ClinGen allele CA10119363.